The following is an entry in ClinVar:

NM_000142.5(FGFR3):c.1534+10G>C

Gene: FGFR3 (fibroblast growth factor receptor 3; plus strand). Cytogenetic location: 4p16.3.
Variant type: single nucleotide variant.
Coding change: c.1534+10G>C on transcript NM_000142.5 (MANE Select); 10 bases into the intron after coding-DNA position 1534, G replaced by C.
Molecular consequence: intron variant.
Genome position (GRCh38, 1-based): chr4:1,805,486, G>C. VCF-style: chr4-1805486-G-C. GRCh37 (hg19) VCF-style: chr4-1807213-G-C.
Other names: c.1198+10G>C (NM_022965.4); c.1540+10G>C (NM_001163213.2); c.1537+10G>C (NM_001354809.2, NM_001354810.2).
Identifiers: ClinVar variation 3030223 (VCV003030223.3), dbSNP rs1484129630, ClinGen allele CA549266727.

ClinVar aggregate classification (germline): Likely benign. Review status: criteria provided, single submitter (1 of 4 stars). 2 submissions from 2 submitters: Likely benign (1). 1 of the submissions does not count toward it. Last evaluated 2025-03-01.

Conditions:
FGFR3-related disorder. Also called: FGFR3-related disorders.

Allele frequency attached by ClinVar (database versions not stated): gnomAD 0.00001; TOPMed 0.00001.

Submissions (2):

Labcorp Genetics (formerly Invitae), Labcorp
Classification: Likely benign. Last evaluated: 2025-03-01. Review status: criteria provided, single submitter. Criteria: Invitae Variant Classification Sherloc (09022015). Collection method: clinical testing. Allele origin: germline.

PreventionGenetics, part of Exact Sciences
Classification: Likely benign for FGFR3-related condition. Last evaluated: 2021-04-02. Review status: no assertion criteria provided. Collection method: clinical testing. Allele origin: germline. Not counted in ClinVar's aggregate classification.
Comment: This variant is classified as likely benign based on ACMG/AMP sequence variant interpretation guidelines (Richards et al. 2015 PMID: 25741868, with internal and published modifications).